The following is an entry in ClinVar:

ClinVar aggregate classification (germline): Uncertain significance. Review status: criteria provided, multiple submitters, no conflicts (2 of 4 stars). 3 submissions from 3 submitters: Uncertain significance (2). 1 of the submissions does not count toward it. Last evaluated 2021-08-30.

Conditions:
Ehlers-Danlos syndrome, dermatosparaxis type. Also called: EDS VIIC; Dermatosparaxis; Ehlers-Danlos syndrome, type VII, autosomal recessive. Identifiers: Orphanet 1901, MedGen C2700425, MONDO:0009161, OMIM 225410.

Allele frequency attached by ClinVar (database versions not stated): gnomAD 0.00001; gnomAD exomes 0.00001; TOPMed 0.00001; ExAC 0.00002.
gnomAD v4.1: 18 of 1,613,062 alleles (0.0011%); highest among the groups gnomAD compares: African/African-American, 0.004%; no homozygotes.

Submissions (3):

Labcorp Genetics (formerly Invitae), Labcorp
Classification: Uncertain significance for Ehlers-Danlos syndrome, dermatosparaxis type. Last evaluated: 2021-08-30. Review status: criteria provided, single submitter. Criteria: Invitae Variant Classification Sherloc (09022015). Collection method: clinical testing. Allele origin: germline.
Comment: This sequence change replaces arginine with glutamine at codon 883 of the ADAMTS2 protein (p.Arg883Gln). The arginine residue is highly conserved and there is a small physicochemical difference between arginine and glutamine. This variant is present in population databases (rs772028555, ExAC 0.03%). This variant has not been reported in the literature in individuals affected with ADAMTS2-related conditions. Algorithms developed to predict the effect of missense changes on protein structure and function (SIFT, PolyPhen-2, Align-GVGD) all suggest that this variant is likely to be disruptive. In summary, the available evidence is currently insufficient to determine the role of this variant in disease. Therefore, it has been classified as a Variant of Uncertain Significance.

Fulgent Genetics
Classification: Uncertain significance for Ehlers-Danlos syndrome, dermatosparaxis type. Last evaluated: 2021-07-07. Review status: criteria provided, single submitter. Criteria: ACMG Guidelines, 2015. Collection method: clinical testing. Allele origin: unknown.

Natera, Inc.
Classification: Uncertain significance for Ehlers-Danlos syndrome type VIIC. Last evaluated: 2021-02-18. Review status: no assertion criteria provided. Collection method: clinical testing. Allele origin: germline. Not counted in ClinVar's aggregate classification.

NM_014244.5(ADAMTS2):c.2648G>A (p.Arg883Gln)

Gene: ADAMTS2 (ADAM metallopeptidase with thrombospondin type 1 motif 2; minus strand). Cytogenetic location: 5q35.3.
Variant type: single nucleotide variant.
Coding change: c.2648G>A on transcript NM_014244.5 (MANE Select); coding-DNA position 2648, G replaced by A.
Protein change: p.Arg883Gln; replaces arginine 883 with glutamine.
Molecular consequence: missense variant.
Genome position (GRCh38, 1-based): chr5:179,126,100, C>T on the plus strand (G>A on the coding strand, the complement: ADAMTS2 is on the minus strand). VCF-style: chr5-179126100-C-T. GRCh37 (hg19) VCF-style: chr5-178553101-C-T.
Other names: short protein forms R883Q.
Identifiers: ClinVar variation 537395 (VCV000537395.7), dbSNP rs772028555, ClinGen allele CA3595473.